The following is an entry in ClinVar:

NM_001999.4(FBN2):c.2099C>G (p.Thr700Ser)

Gene: FBN2 (fibrillin 2; minus strand). Cytogenetic location: 5q23.3.
Variant type: single nucleotide variant.
Coding change: c.2099C>G on transcript NM_001999.4 (MANE Select); coding-DNA position 2099, C replaced by G.
Protein change: p.Thr700Ser; replaces threonine 700 with serine.
Molecular consequence: missense variant.
Genome position (GRCh38, 1-based): chr5:128,369,331, G>C on the plus strand (C>G on the coding strand, the complement: FBN2 is on the minus strand). VCF-style: chr5-128369331-G-C. GRCh37 (hg19) VCF-style: chr5-127705024-G-C.
Other names: short protein forms T700S.
Identifiers: ClinVar variation 4745190 (VCV004745190.1).

ClinVar aggregate classification (germline): Uncertain significance (1 of 4 stars; one submission).

Conditions:
Congenital contractural arachnodactyly (CCA). Also called: BEALS SYNDROME; Arthrogryposis, distal, type 9; Beals-Hecht syndrome. Identifiers: Orphanet 115, MedGen C0220668, MONDO:0007363, OMIM 121050.

Submission:

Labcorp Genetics (formerly Invitae), Labcorp
Classification: Uncertain significance for Congenital contractural arachnodactyly. Last evaluated: 2025-09-02. Review status: criteria provided, single submitter. Criteria: Invitae Variant Classification Sherloc (09022015). Collection method: clinical testing. Allele origin: germline.
Comment: This sequence change replaces threonine, which is neutral and polar, with serine, which is neutral and polar, at codon 700 of the FBN2 protein (p.Thr700Ser). This variant is not present in population databases (gnomAD no frequency). This variant has not been reported in the literature in individuals affected with FBN2-related conditions. Invitae Evidence Modeling of protein sequence and biophysical properties (such as structural, functional, and spatial information, amino acid conservation, physicochemical variation, residue mobility, and thermodynamic stability) indicates that this missense variant is not expected to disrupt FBN2 protein function with a negative predictive value of 80%. In summary, the available evidence is currently insufficient to determine the role of this variant in disease. Therefore, it has been classified as a Variant of Uncertain Significance.